The following is an entry in ClinVar:

ClinVar aggregate classification (germline): Likely benign (0 of 4 stars; one submission).

Conditions:
TUB-related disorder. Also called: TUB-related condition.

gnomAD v4.1: 22 of 1,614,064 alleles (0.0014%); highest among the groups gnomAD compares: Non-Finnish European, 0.0018%; no homozygotes.

Submission:

PreventionGenetics, part of Exact Sciences
Classification: Likely benign for TUB-related condition. Last evaluated: 2021-08-02. Review status: no assertion criteria provided. Collection method: clinical testing. Allele origin: germline.
Comment: This variant is classified as likely benign based on ACMG/AMP sequence variant interpretation guidelines (Richards et al. 2015 PMID: 25741868, with internal and published modifications).

NM_177972.3(TUB):c.*8T>C

Genes: RIC3 (RIC3 acetylcholine receptor chaperone; minus strand), TUB (TUB bipartite transcription factor; plus strand). Cytogenetic location: 11p15.4.
Variant type: single nucleotide variant.
Coding change: c.*8T>C on transcript NM_177972.3 (MANE Select); 8 bases downstream of the stop codon, T replaced by C.
Molecular consequence: 3 prime UTR variant.
Genome position (GRCh38, 1-based): chr11:8,101,627, T>C. VCF-style: chr11-8101627-T-C. GRCh37 (hg19) VCF-style: chr11-8123174-T-C.
Other names: c.*8T>C (NM_003320.5).
Identifiers: ClinVar variation 3357993 (VCV003357993.1).